The following is an entry in ClinVar:

ClinVar aggregate classification (germline): Benign (1 of 4 stars; one submission).

Conditions:
Aromatase deficiency. Also called: Increased aromatase activity; PSEUDOHERMAPHRODITISM, FEMALE, DUE TO PLACENTAL AROMATASE DEFICIENCY. Identifiers: Orphanet 91, MedGen C1960539, MONDO:0013301, OMIM 613546.

Allele frequency attached by ClinVar (database versions not stated): gnomAD 0.00553 and 0.00584; 1000 Genomes Project 0.00619; TOPMed 0.00620; 1000 Genomes Project 30x 0.00687.

Submission:

Illumina Laboratory Services, Illumina
Classification: Benign for Aromatase deficiency. Last evaluated: 2018-01-13. Review status: criteria provided, single submitter. Criteria: ICSL Variant Classification Criteria 13 December 2019. Collection method: clinical testing. Allele origin: germline.
Comment: This variant was observed in the ICSL laboratory as part of a predisposition screen in an ostensibly healthy population. It had not been previously curated by ICSL or reported in the Human Gene Mutation Database (HGMD: prior to June 1st, 2018), and was therefore a candidate for classification through an automated scoring system. Utilizing variant allele frequency, disease prevalence and penetrance estimates, and inheritance mode, an automated score was calculated to assess if this variant is too frequent to cause the disease. Based on the score and internal cut-off values, a variant classified as benign is not then subjected to further curation. The score for this variant resulted in a classification of benign for this disease.

NM_000103.4(CYP19A1):c.*1190C>T

Genes: MIR4713HG (MIR4713 host gene; plus strand), CYP19A1 (cytochrome P450 family 19 subfamily A member 1; minus strand), PIRC66 (piwi-interacting RNA cluster 66; plus strand). Cytogenetic location: 15q21.2.
Variant type: single nucleotide variant.
Coding change: c.*1190C>T on transcript NM_000103.4 (MANE Select); 1190 bases downstream of the stop codon, C replaced by T.
Molecular consequence: 3 prime UTR variant.
Genome position (GRCh38, 1-based): chr15:51,209,618, G>A on the plus strand (C>T on the coding strand, the complement: CYP19A1 is on the minus strand). VCF-style: chr15-51209618-G-A. GRCh37 (hg19) VCF-style: chr15-51501815-G-A.
Other names: c.*1190C>T (NM_001347248.1, NM_001347249.2, NM_001347250.2 and 7 more transcripts).
Identifiers: ClinVar variation 887276 (VCV000887276.4), dbSNP rs28757210, ClinGen allele CA270547772.